The following is an entry in ClinVar:

NC_000023.10:g.(?_32482683)_(32841967_?)del

Gene: DMD (dystrophin; minus strand). Cytogenetic location: Xp21.1.
Variant type: Deletion.
Identifiers: ClinVar variation 3248311 (VCV003248311.1).

ClinVar aggregate classification (germline): Pathogenic (1 of 4 stars; one submission).

Conditions:
Duchenne muscular dystrophy (DMD). Also called: MUSCULAR DYSTROPHY, PSEUDOHYPERTROPHIC PROGRESSIVE, DUCHENNE TYPE; Duchenne Muscular Dystrophy (DMD). Identifiers: Orphanet 98896, MedGen C0013264, MONDO:0010679, OMIM 310200.

Submission:

Labcorp Genetics (formerly Invitae), Labcorp
Classification: Pathogenic for Duchenne muscular dystrophy. Last evaluated: 2023-03-30. Review status: criteria provided, single submitter. Criteria: Invitae Variant Classification Sherloc (09022015). Collection method: clinical testing. Allele origin: unknown.
Comment: For these reasons, this variant has been classified as Pathogenic. The region of the DMD gene that includes exon(s) 13 has been determined to be clinically significant (PMID: 18353051, 22379338, 28116794, 28610567). Therefore, deletions that encompass that region are likely to be disease-causing. This variant has not been reported in the literature in individuals affected with DMD-related conditions. This variant is a gross deletion of the genomic region encompassing exon(s) 5-24 of the DMD gene. This variant would be expected to be in-frame, preserving the integrity of the reading frame.

Literature cited by the submitters: PubMed 18353051; PubMed 22379338; PubMed 28116794; PubMed 28610567.